The following is an entry in ClinVar:

NM_000384.3(APOB):c.11904-7C>T

Gene: APOB (apolipoprotein B; minus strand). Cytogenetic location: 2p24.1.
Variant type: single nucleotide variant.
Coding change: c.11904-7C>T on transcript NM_000384.3 (MANE Select); 7 bases into the intron before coding-DNA position 11904, C replaced by T.
Molecular consequence: intron variant.
Genome position (GRCh38, 1-based): chr2:21,004,459, G>A on the plus strand (C>T on the coding strand, the complement: APOB is on the minus strand). VCF-style: chr2-21004459-G-A. GRCh37 (hg19) VCF-style: chr2-21227331-G-A.
Other names: p.?.
Identifiers: ClinVar variation 255975 (VCV000255975.35), dbSNP rs12720851, ClinGen allele CA048195.
Genomic context (GRCh38, chr2:21,004,459, plus strand): 5'-AGATCGGTGAACGCTGGGCTTTTGATATTGAGGTGCGCTTTTCCTTCCCATTCCCTGAAA[G>A]CAGAAAAACAGATGAGCTATCACGAAAGGGGTATGGAGATGAAGAAAATCACAATGAGTT-3'

ClinVar aggregate classification (germline): Benign/Likely benign. Review status: criteria provided, multiple submitters, no conflicts (2 of 4 stars). 16 submissions from 15 submitters: Benign (11); Likely benign (2). 3 of the submissions do not count toward it. Last evaluated 2026-02-03.

Conditions:
Hypercholesterolemia, autosomal dominant, type B (FHCL2). Also called: Hyperlipoproteinemia Type IIb; Familial hypercholesterolemia 2; Familial Hypercholesterolemia Type B; HYPERCHOLESTEROLEMIA, FAMILIAL, DUE TO LIGAND-DEFECTIVE APOLIPOPROTEIN B; APOLIPOPROTEIN B-100, FAMILIAL DEFECTIVE; APOLIPOPROTEIN B-100, FAMILIAL LIGAND-DEFECTIVE. Identifiers: MedGen C1704417, MONDO:0007751, OMIM 144010.
Familial hypobetalipoproteinemia 1. Also called: Hypobetalipoproteinemia, normotriglyceridemic; Acanthocytosis with hypobetalipoproteinemia; APOB-Related Familial Hypobetalipoproteinemia. Identifiers: MedGen C4551990, MONDO:0014252, OMIM 615558.
Familial hypercholesterolemia. Also called: Familial hypercholesterolemias; Familial hypercholesterolaemia. Identifiers: MedGen C0020445, MONDO:0005439.
Hypercholesterolemia, familial, 1. Also called: HYPERCHOLESTEROLEMIA, FAMILIAL, MODIFIER OF; LDL RECEPTOR DISORDER; Hyperlipoproteinemia Type IIa; HYPER-LOW-DENSITY-LIPOPROTEINEMIA; HYPERCHOLESTEROLEMIC XANTHOMATOSIS, FAMILIAL; Fredrickson type IIa hyperlipoproteinemia. Identifiers: Orphanet 391665, MedGen C0745103, MONDO:0007750, OMIM 143890.

Allele frequency attached by ClinVar (database versions not stated): gnomAD exomes 0.00576 and 0.01147; ExAC 0.01291; gnomAD 0.03398 and 0.03622; ESP Exome Variant Server 0.03791; 1000 Genomes Project 0.03814; 1000 Genomes Project 30x 0.03873; TOPMed 0.03927.
gnomAD v4.1: 14,019 of 1,613,920 alleles (0.87%); highest among the groups gnomAD compares: African/African-American, 11%; 522 homozygotes.

Submissions (16):

Labcorp Genetics (formerly Invitae), Labcorp
Classification: Benign for Familial hypobetalipoproteinemia 1; Hypercholesterolemia, autosomal dominant, type B. Last evaluated: 2026-02-03. Review status: criteria provided, single submitter. Criteria: Invitae Variant Classification Sherloc (09022015). Collection method: clinical testing. Allele origin: germline.

ARUP Laboratories, Molecular Genetics and Genomics, ARUP Laboratories
Classification: Benign. Last evaluated: 2025-07-17. Review status: criteria provided, single submitter. Criteria: ARUP Molecular Germline Variant Investigation Process 2024. Collection method: clinical testing. Allele origin: germline.

Molecular Diagnostic Laboratory for Inherited Cardiovascular Disease, Montreal Heart Institute
Classification: Benign. Last evaluated: 2025-04-09. Review status: criteria provided, single submitter. Criteria: ACMG Guidelines, 2015. Collection method: clinical testing. Allele origin: germline. Affected: no.

Blueprint Genetics
Classification: Benign. Last evaluated: 2024-11-26. Review status: criteria provided, single submitter. Criteria: ACMG Guidelines, 2015. Collection method: clinical testing. Allele origin: germline.

Quest Diagnostics Nichols Institute San Juan Capistrano
Classification: Benign. Last evaluated: 2023-01-09. Review status: criteria provided, single submitter. Criteria: Quest Diagnostics criteria. Collection method: clinical testing. Allele origin: unknown.

GENinCode PLC
Classification: Benign for Familial hypercholesterolemia. Last evaluated: 2022-06-20. Review status: criteria provided, single submitter. Criteria: ACMG Guidelines, 2015. Collection method: clinical testing. Allele origin: germline.

Illumina Laboratory Services, Illumina
Classification: Likely benign for Familial hypobetalipoproteinemia 1. Last evaluated: 2018-01-13. Review status: criteria provided, single submitter. Criteria: ICSL Variant Classification Criteria 13 December 2019. Collection method: clinical testing. Allele origin: germline.
Comment: This variant was observed in the ICSL laboratory as part of a predisposition screen in an ostensibly healthy population. It had not been previously curated by ICSL or reported in the Human Gene Mutation Database (HGMD: prior to June 1st, 2018), and was therefore a candidate for classification through an automated scoring system. Utilizing variant allele frequency, disease prevalence and penetrance estimates, and inheritance mode, an automated score was calculated to assess if this variant is too frequent to cause the disease. Based on the score and internal cut-off values, a variant classified as likely benign is not then subjected to further curation. The score for this variant resulted in a classification of likely benign for this disease.

Illumina Laboratory Services, Illumina
Classification: Benign for Hypercholesterolemia, autosomal dominant, type B. Last evaluated: 2018-01-13. Review status: criteria provided, single submitter. Criteria: ICSL Variant Classification Criteria 13 December 2019. Collection method: clinical testing. Allele origin: germline.
Comment: This variant was observed in the ICSL laboratory as part of a predisposition screen in an ostensibly healthy population. It had not been previously curated by ICSL or reported in the Human Gene Mutation Database (HGMD: prior to June 1st, 2018), and was therefore a candidate for classification through an automated scoring system. Utilizing variant allele frequency, disease prevalence and penetrance estimates, and inheritance mode, an automated score was calculated to assess if this variant is too frequent to cause the disease. Based on the score and internal cut-off values, a variant classified as benign is not then subjected to further curation. The score for this variant resulted in a classification of benign for this disease.

Robarts Research Institute, Western University
Classification: Benign for Hypercholesterolemia, familial, 1. Last evaluated: 2018-01-02. Review status: criteria provided, single submitter. Criteria: ACMG Guidelines, 2015. Collection method: clinical testing. Allele origin: germline. Inheritance: Autosomal dominant inheritance. Affected: yes.

GeneDx
Classification: Benign. Last evaluated: 2017-01-09. Review status: criteria provided, single submitter. Criteria: GeneDx Variant Classification (06012015). Collection method: clinical testing. Allele origin: germline. Affected: yes.
Comment: This variant is considered likely benign or benign based on one or more of the following criteria: it is a conservative change, it occurs at a poorly conserved position in the protein, it is predicted to be benign by multiple in silico algorithms, and/or has population frequency not consistent with disease.

Mayo Clinic Laboratories, Mayo Clinic
Classification: Benign. Last evaluated: 2014-04-16. Review status: criteria provided, single submitter. Criteria: ACMG Guidelines, 2015. Collection method: clinical testing. Allele origin: germline. Observed: 46 variant alleles.

Breakthrough Genomics
Classification: Likely benign. Review status: criteria provided, single submitter. Criteria: ACMG Guidelines, 2015. Collection method: not provided. Allele origin: germline. Inheritance: Autosomal recessive inheritance. Affected: yes.

PreventionGenetics, part of Exact Sciences
Classification: Benign. Review status: criteria provided, single submitter. Criteria: ACMG Guidelines, 2015. Collection method: clinical testing. Allele origin: germline.

Cohesion Phenomics
Classification: Benign for Familial hypercholesterolemia. Last evaluated: 2023-02-09. Review status: no assertion criteria provided. Criteria: ACMG Guidelines, 2015. Collection method: clinical testing. Allele origin: germline. Affected: yes. Not counted in ClinVar's aggregate classification.

Clinical Genetics, Academic Medical Center
Classification: Benign. Review status: no assertion criteria provided. Collection method: clinical testing. Allele origin: germline. Affected: yes. Study: VKGL Data-share Consensus. Not counted in ClinVar's aggregate classification.

Diagnostic Laboratory, Department of Genetics, University Medical Center Groningen
Classification: Benign. Review status: no assertion criteria provided. Collection method: clinical testing. Allele origin: germline. Affected: yes. Study: VKGL Data-share Consensus. Not counted in ClinVar's aggregate classification.